The following is an entry in ClinVar:

NM_001856.4(COL16A1):c.185C>A (p.Thr62Lys)

Gene: COL16A1 (collagen type XVI alpha 1 chain; minus strand). Cytogenetic location: 1p35.2.
Variant type: single nucleotide variant.
Coding change: c.185C>A on transcript NM_001856.4 (MANE Select); coding-DNA position 185, C replaced by A.
Protein change: p.Thr62Lys; replaces threonine 62 with lysine.
Molecular consequence: missense variant.
Genome position (GRCh38, 1-based): chr1:31,699,894, G>T on the plus strand (C>A on the coding strand, the complement: COL16A1 is on the minus strand). VCF-style: chr1-31699894-G-T. GRCh37 (hg19) VCF-style: chr1-32165495-G-T.
Other names: short protein forms T62K.
Identifiers: ClinVar variation 1288039 (VCV001288039.2), dbSNP rs2228552, ClinGen allele CA734814.
Genomic context (GRCh38, chr1:31,699,894, plus strand): 5'-GCCGCCCCCAGGCGCAGGATGAGAGGCCCCTTGGGGTTGCGGATCTTCTTGATGGCAGAC[G>T]TCTTCATGAGGCTGAGTCGGTGGATGAGGTTGAAGCCTTTGGGGGAGACATCAGGTGAAG-3'
Protein context (NP_001847.3, residues 52-72): NLIHRLSLMK[Thr62Lys]SAIKKIRNPK

ClinVar aggregate classification (germline): Benign. Review status: criteria provided, multiple submitters, no conflicts (2 of 4 stars). 2 submissions from 2 submitters: Benign (2). Last evaluated 2020-07-15.

Allele frequency attached by ClinVar (database versions not stated): 1000 Genomes Project 30x 0.42598; 1000 Genomes Project 0.42732; TOPMed 0.49675; ESP Exome Variant Server 0.54082.
gnomAD v4.1: 972,616 of 1,612,244 alleles (60%); highest among the groups gnomAD compares: Non-Finnish European, 64%; 301,540 homozygotes.

Submissions (2):

GeneDx
Classification: Benign. Last evaluated: 2020-07-15. Review status: criteria provided, single submitter. Criteria: GeneDx Variant Classification Process June 2021. Collection method: clinical testing. Allele origin: germline. Affected: yes.
Comment: This variant is associated with the following publications: (PMID: 31959851)

Breakthrough Genomics
Classification: Benign. Review status: criteria provided, single submitter. Criteria: ACMG Guidelines, 2015. Collection method: not provided. Allele origin: germline. Inheritance: Unknown mechanism. Affected: yes.